The following is an entry in ClinVar:

NM_015166.4(MLC1):c.909GCT[5] (p.Leu309_Leu310del)

Gene: MLC1 (modulator of VRAC current 1; minus strand). Cytogenetic location: 22q13.33.
Variant type: Microsatellite.
Coding change: c.909GCT[5] on transcript NM_015166.4 (MANE Select); five copies in a row of the 3-base unit GCT starting at c.909; the reference has seven copies in a row; two copies, 6 bases deleted; also written c.924_929del.
Protein change: p.Leu309_Leu310del.
Molecular consequence: non-coding transcript variant (on NR_164811.1).
Genome position (GRCh38, 1-based): chr22:50,064,164-50,064,169, AGCAGC deleted on the plus strand (GCTGCT on the coding strand, the reverse complement: MLC1 is on the minus strand); deleting any 6 consecutive bases within chr22:50,064,164-50,064,185 gives the same sequence; the position shown is the placement nearest the transcript's 3' end. VCF-style (leftmost placement, unchanged base first): chr22-50064163-TAGCAGC-T. GRCh37 (hg19) VCF-style: chr22-50502592-TAGCAGC-T.
Other names: c.924_929del (NM_015166.4, NM_015166.3); c.909GCT[5], p.Leu309_Leu310del (NM_001376472.1, NM_001376473.1, NM_001376474.1 and 5 more transcripts); c.852GCT[5], p.Leu290_Leu291del (NM_001376479.1); c.819GCT[5], p.Leu279_Leu280del (NM_001376480.1); c.807GCT[5], p.Leu275_Leu276del (NM_001376481.1); c.753GCT[5], p.Leu257_Leu258del (NM_001376482.1, NM_001376483.1); c.672GCT[5], p.Leu230_Leu231del (NM_001376484.1).
Identifiers: ClinVar variation 3588111 (VCV003588111.3).
Genomic context (GRCh38, chr22:50,064,163, plus strand): 5'-CTTGAAGCGCACGCACTGGATGGCGGTGCCCGTGTTGAGGCCGGCCTGCAGCAGGAGCAC[TAGCAGC>T]AGCAGCAGCAGCAGCACATCGTAGGATGGCTGCAGGCGGAAGGAGGTGTGAGCAGAGTGG-3'

ClinVar aggregate classification (germline): Likely pathogenic. Review status: criteria provided, multiple submitters, no conflicts (2 of 4 stars). 2 submissions from 2 submitters: Likely pathogenic (2). Last evaluated 2025-08-07.

Conditions:
Megalencephalic leukoencephalopathy with subcortical cysts 1 (MLC1). Also called: VACUOLATING MEGALENCEPHALIC LEUKOENCEPHALOPATHY WITH SUBCORTICAL CYSTS; LEUKOENCEPHALOPATHY WITH SWELLING AND CYSTS. Identifiers: Orphanet 2478, MedGen C5779875, MONDO:0024555, OMIM 604004.
Megalencephalic leukoencephalopathy with subcortical cysts. Also called: VAN DER KNAAP DISEASE. Identifiers: Orphanet 2478, MedGen C1858854, MONDO:0011391.

Submissions (2):

Natera, Inc.
Classification: Likely pathogenic for Megalencephalic leukoencephalopathy with subcortical cysts. Last evaluated: 2025-08-07. Review status: criteria provided, single submitter. Criteria: Natera Variant Classification Schema (03/2026). Collection method: clinical testing. Allele origin: germline.
Comment: The c.924_929del variant in MLC1 is an in-frame deletion. This variant is rare in the general population with a frequency below the threshold expected for the associated phenotype(s). This variant has been observed in one or more individuals affected with the associated recessive disease, as either homozygous or compound heterozygous with a second variant (PMID: 12497630, 27779215). Given the available evidence, this variant is classified as Likely Pathogenic.

Fulgent Genetics
Classification: Likely pathogenic for Megalencephalic leukoencephalopathy with subcortical cysts 1. Last evaluated: 2024-02-07. Review status: criteria provided, single submitter. Criteria: ACMG Guidelines, 2015. Collection method: clinical testing. Allele origin: germline.

Literature cited by the submitters: PubMed 12497630 (cited by Natera, Inc.); PubMed 27779215 (cited by Natera, Inc.).